The following is an entry in ClinVar:

ClinVar aggregate classification (germline): Uncertain significance (1 of 4 stars; one submission).

Conditions:
Atypical hemolytic-uremic syndrome. Identifiers: Orphanet 2134, MedGen C2931788, MONDO:0016244.
Basal laminar drusen. Also called: DRUSEN OF BRUCH MEMBRANE; DRUSEN, CUTICULAR; DRUSEN, EARLY ADULT-ONSET, GROUPED. Identifiers: Orphanet 75376, MedGen C0730295, MONDO:0007472, OMIM 126700.
Factor H deficiency (CFHD). Also called: COMPLEMENT FACTOR H DEFICIENCY; CFH DEFICIENCY. Identifiers: Orphanet 200421, MedGen C0398777, MONDO:0012350, OMIM 609814.
Age related macular degeneration 4. Identifiers: MedGen C1853147, MONDO:0012540, OMIM 610698.

Submission:

Genomenon, Inc
Classification: Uncertain significance for Basal laminar drusen; Age related macular degeneration 4; Atypical hemolytic-uremic syndrome; Factor H deficiency. Last evaluated: 2025-10-02. Review status: criteria provided, single submitter. Criteria: Genomenon Sequence Variant Interpretation Standards - Updated. Collection method: curation. Allele origin: germline. Affected: no.
Comment: CFH p.Ala348Pro (c.1042G>C) is a missense variant that changes the amino acid at residue 348 from Alanine to Proline. This variant has been reported in the published literature (PMID:19273554). It is absent or not present at a significant frequency in gnomAD. In silico models agree that this variant is not damaging. In conclusion, we classify CFH p.Ala348Pro (c.1042G>C) as a variant of uncertain significance.

Literature cited by the submitters: PubMed 19273554.

NM_000186.4(CFH):c.1042G>C (p.Ala348Pro)

Gene: CFH (complement factor H; plus strand). Cytogenetic location: 1q31.3.
Variant type: single nucleotide variant.
Coding change: c.1042G>C on transcript NM_000186.4 (MANE Select); coding-DNA position 1042, G replaced by C.
Protein change: p.Ala348Pro; replaces alanine 348 with proline.
Molecular consequence: missense variant.
Genome position (GRCh38, 1-based): chr1:196,689,497, G>C. VCF-style: chr1-196689497-G-C. GRCh37 (hg19) VCF-style: chr1-196658627-G-C.
Other names: c.1042G>C, p.Ala348Pro (NM_001014975.3); short protein forms A348P.
Identifiers: ClinVar variation 4291349 (VCV004291349.1).